The following is an entry in ClinVar:

NM_000751.3(CHRND):c.1128GAG[3] (p.Arg377_Ser378insArg)

Gene: CHRND (cholinergic receptor nicotinic delta subunit; plus strand). Cytogenetic location: 2q37.1.
Variant type: Microsatellite.
Coding change: c.1128GAG[3] on transcript NM_000751.3 (MANE Select); three copies in a row of the 3-base unit GAG starting at c.1128; the reference has two copies in a row; one copy, 3 bases duplicated.
Protein change: p.Arg377_Ser378insArg.
Genome position (GRCh38, 1-based): chr2:232,534,014-232,534,016, GAG duplicated; duplicating any 3 consecutive bases within chr2:232,534,010-232,534,016 gives the same sequence; the position shown is the placement nearest the transcript's 3' end. VCF-style (leftmost placement, unchanged base first): chr2-232534009-C-CGGA. GRCh37 (hg19) VCF-style: chr2-233398719-C-CGGA.
Other names: c.1083GAG[3], p.Arg362_Ser363insArg (NM_001256657.2); c.546GAG[3], p.Arg183_Ser184insArg (NM_001311195.2); c.825GAG[3], p.Arg276_Ser277insArg (NM_001311196.2).
Identifiers: ClinVar variation 3665159 (VCV003665159.2).
Genomic context (GRCh38, chr2:232,534,009, plus strand): 5'-CCGGAGCTCCTGCACATGTCCCGCCCAGCAGAGGATGGACCCAGCCCTGGGGCCCTGGTG[C>CGGA]GGAGGAGCAGCTCCCTGGGATACATCTCCAAGGCCGAGGAGTACTTCCTGCTCAAGTCCC-3'

ClinVar aggregate classification (germline): Uncertain significance (1 of 4 stars; one submission).

Conditions:
Lethal multiple pterygium syndrome (LMPS). Identifiers: Orphanet 33108, MedGen C1854678, MONDO:0009668, OMIM 253290.

Submission:

Labcorp Genetics (formerly Invitae), Labcorp
Classification: Uncertain significance for Lethal multiple pterygium syndrome. Last evaluated: 2024-07-11. Review status: criteria provided, single submitter. Criteria: Invitae Variant Classification Sherloc (09022015). Collection method: clinical testing. Allele origin: germline.
Comment: This variant, c.1131_1133dup, results in the insertion of 1 amino acid(s) of the CHRND protein (p.Arg377dup), but otherwise preserves the integrity of the reading frame. This variant is not present in population databases (gnomAD no frequency). This variant has not been reported in the literature in individuals affected with CHRND-related conditions. In summary, the available evidence is currently insufficient to determine the role of this variant in disease. Therefore, it has been classified as a Variant of Uncertain Significance.